The following is an entry in ClinVar:

ClinVar aggregate classification (germline): Uncertain significance (1 of 4 stars; one submission).

Conditions:
Breast-ovarian cancer, familial, susceptibility to, 4. Identifiers: Orphanet 145, MedGen C3280345, MONDO:0013669, OMIM 614291.

Submission:

Labcorp Genetics (formerly Invitae), Labcorp
Classification: Uncertain significance for Breast-ovarian cancer, familial, susceptibility to, 4. Last evaluated: 2024-05-21. Review status: criteria provided, single submitter. Criteria: Invitae Variant Classification Sherloc (09022015). Collection method: clinical testing. Allele origin: germline.
Comment: This sequence change replaces glutamine, which is neutral and polar, with histidine, which is basic and polar, at codon 192 of the RAD51D protein (p.Gln192His). This variant also falls at the last nucleotide of exon 6, which is part of the consensus splice site for this exon. This variant is not present in population databases (gnomAD no frequency). This variant has not been reported in the literature in individuals affected with RAD51D-related conditions. ClinVar contains an entry for this variant (Variation ID: 1044475). An algorithm developed to predict the effect of missense changes on protein structure and function (PolyPhen-2) suggests that this variant is likely to be disruptive. Variants that disrupt the consensus splice site are a relatively common cause of aberrant splicing (PMID: 17576681, 9536098). In summary, the available evidence is currently insufficient to determine the role of this variant in disease. Therefore, it has been classified as a Variant of Uncertain Significance.

Literature cited by the submitters: PubMed 17576681; PubMed 9536098.

NM_002878.4(RAD51D):c.576G>T (p.Gln192His)

Genes: RAD51D (RAD51 paralog D; minus strand), RAD51L3-RFFL (RAD51L3-RFFL readthrough; minus strand). Cytogenetic location: 17q12.
Variant type: single nucleotide variant.
Coding change: c.576G>T on transcript NM_002878.4 (MANE Select); coding-DNA position 576, G replaced by T.
Protein change: p.Gln192His; replaces glutamine 192 with histidine.
Molecular consequence: missense variant. On other transcripts: non-coding transcript variant (3).
Genome position (GRCh38, 1-based): chr17:35,106,386, C>A on the plus strand (G>T on the coding strand, the complement: RAD51D is on the minus strand). VCF-style: chr17-35106386-C-A. GRCh37 (hg19) VCF-style: chr17-33433405-C-A.
Other names: c.636G>T, p.Gln212His (NM_001142571.2); c.240G>T, p.Gln80His (NM_133629.3); short protein forms Q192H, Q212H, Q80H.
Identifiers: ClinVar variation 1044475 (VCV001044475.5), dbSNP rs2091602856, ClinGen allele CA399088499.
Genomic context (GRCh38, chr17:35,106,386, plus strand): 5'-CCACAGAGATAGCACCTAGAAAGCTGAATTAAGCAAGGAGGGGCAGAACAGCAGGCTCAC[C>A]TGCTGGGCCACAGTGCCTCGGAGCTCCTGCAGCACATCCAGCATCTGGAAGATGTCAAAT-3'
Protein context (NP_002869.3, residues 182-202): LQELRGTVAQ[Gln192His]VTGSSGTVKV